The following is an entry in ClinVar:

NM_004104.5(FASN):c.3548C>T (p.Ser1183Leu)

Gene: FASN (fatty acid synthase; minus strand). Cytogenetic location: 17q25.3.
Variant type: single nucleotide variant.
Coding change: c.3548C>T on transcript NM_004104.5 (MANE Select); coding-DNA position 3548, C replaced by T.
Protein change: p.Ser1183Leu; replaces serine 1183 with leucine.
Molecular consequence: missense variant.
Genome position (GRCh38, 1-based): chr17:82,086,438, G>A on the plus strand (C>T on the coding strand, the complement: FASN is on the minus strand). VCF-style: chr17-82086438-G-A. GRCh37 (hg19) VCF-style: chr17-80044314-G-A.
Other names: short protein forms S1183L.
Identifiers: ClinVar variation 663518 (VCV000663518.8), dbSNP rs776209432, ClinGen allele CA8852341.
Genomic context (GRCh38, chr17:82,086,438, plus strand): 5'-GCCAGCACCTGCGCCAGCTCCAGCTGCAGGTTCCCGTTGAGCTGAAGCCTGCAGGCAGCC[G>A]ACAACAGCCGGGGCAGTTCCTGCTGTGAGGGGTCCCGGGGGATCTGGGCCCCATCCAGTC-3'
Protein context (NP_004095.4, residues 1173-1193): PSQQELPRLL[Ser1183Leu]AACRLQLNGN

ClinVar aggregate classification (germline): Uncertain significance (1 of 4 stars; one submission).

Conditions:
Epileptic encephalopathy. Identifiers: MedGen C0543888, HP:0200134.

Allele frequency attached by ClinVar (database versions not stated): TOPMed below 0.00001; ExAC 0.00001; gnomAD exomes 0.00001.
gnomAD v4.1: 8 of 1,611,976 alleles (0.0005%); highest among the groups gnomAD compares: East Asian, 0.0045%; no homozygotes.

Submission:

Labcorp Genetics (formerly Invitae), Labcorp
Classification: Uncertain significance for Epileptic encephalopathy. Last evaluated: 2025-07-07. Review status: criteria provided, single submitter. Criteria: Invitae Variant Classification Sherloc (09022015). Collection method: clinical testing. Allele origin: germline.
Comment: This sequence change replaces serine, which is neutral and polar, with leucine, which is neutral and non-polar, at codon 1183 of the FASN protein (p.Ser1183Leu). This variant is present in population databases (rs776209432, gnomAD 0.02%). This variant has not been reported in the literature in individuals affected with FASN-related conditions. ClinVar contains an entry for this variant (Variation ID: 663518). An algorithm developed to predict the effect of missense changes on protein structure and function (PolyPhen-2) suggests that this variant is likely to be tolerated. In summary, the available evidence is currently insufficient to determine the role of this variant in disease. Therefore, it has been classified as a Variant of Uncertain Significance.